The following is an entry in ClinVar:

NM_004998.4(MYO1E):c.955T>C (p.Leu319=)

Gene: MYO1E (myosin IE; minus strand). Cytogenetic location: 15q22.2.
Variant type: single nucleotide variant.
Coding change: c.955T>C on transcript NM_004998.4 (MANE Select); coding-DNA position 955, T replaced by C.
Protein change: p.Leu319=; no amino-acid change (leucine 319 retained).
Molecular consequence: synonymous variant.
Genome position (GRCh38, 1-based): chr15:59,218,043, A>G on the plus strand (T>C on the coding strand, the complement: MYO1E is on the minus strand). VCF-style: chr15-59218043-A-G. GRCh37 (hg19) VCF-style: chr15-59510242-A-G.
Identifiers: ClinVar variation 1588361 (VCV001588361.29), dbSNP rs776535741, ClinGen allele CA490638819.

ClinVar aggregate classification (germline): Likely benign. Review status: criteria provided, multiple submitters, no conflicts (2 of 4 stars). 2 submissions from 2 submitters: Likely benign (2). Last evaluated 2024-03-01.

Allele frequency attached by ClinVar (database versions not stated): TOPMed below 0.00001.
gnomAD v4.1: 5 of 1,614,192 alleles (0.00031%); highest among the groups gnomAD compares: East Asian, 0.0022%; no homozygotes.

Submissions (2):

CeGaT Center for Human Genetics Tuebingen
Classification: Likely benign. Last evaluated: 2024-03-01. Review status: criteria provided, single submitter. Criteria: CeGaT Center For Human Genetics Tuebingen Variant Classification Criteria Version 2. Collection method: clinical testing. Allele origin: germline. Affected: yes. Observed: 1 variant allele.
Comment: MYO1E: PM2:Supporting, BP4, BP7

Labcorp Genetics (formerly Invitae), Labcorp
Classification: Likely benign. Last evaluated: 2022-08-09. Review status: criteria provided, single submitter. Criteria: Invitae Variant Classification Sherloc (09022015). Collection method: clinical testing. Allele origin: germline.